The following is an entry in ClinVar:

NM_001943.5(DSG2):c.2990G>A (p.Gly997Asp)

Genes: DSG2 (desmoglein 2; plus strand), DSG2-AS1 (DSG2 antisense RNA 1; minus strand). Cytogenetic location: 18q12.1.
Variant type: single nucleotide variant.
Coding change: c.2990G>A on transcript NM_001943.5 (MANE Select); coding-DNA position 2990, G replaced by A.
Protein change: p.Gly997Asp; replaces glycine 997 with aspartic acid.
Molecular consequence: missense variant.
Genome position (GRCh38, 1-based): chr18:31,546,376, G>A. VCF-style: chr18-31546376-G-A. GRCh37 (hg19) VCF-style: chr18-29126339-G-A.
Other names: short protein forms G997D.
Identifiers: ClinVar variation 1424995 (VCV001424995.6), dbSNP rs1245395139, ClinGen allele CA402147676.

ClinVar aggregate classification (germline): Uncertain significance (1 of 4 stars; one submission).

Conditions:
Arrhythmogenic right ventricular dysplasia 10. Also called: Arrhythmogenic Right Ventricular Dysplasia/Cardiomyopathy10; Arrhythmogenic right ventricular dysplasia/cardiomyopathy, type 10; ARRHYTHMOGENIC RIGHT VENTRICULAR DYSPLASIA, FAMILIAL, 10. Identifiers: MedGen C1857777, MONDO:0012434, OMIM 610193.

Allele frequency attached by ClinVar (database versions not stated): gnomAD exomes below 0.00001.
gnomAD v4.1: 1 of 1,614,096 alleles (0.000062%); highest among the groups gnomAD compares: Admixed American, 0.0017%; no homozygotes.

Submission:

Labcorp Genetics (formerly Invitae), Labcorp
Classification: Uncertain significance for Arrhythmogenic right ventricular dysplasia 10. Last evaluated: 2022-07-19. Review status: criteria provided, single submitter. Criteria: Invitae Variant Classification Sherloc (09022015). Collection method: clinical testing. Allele origin: germline.
Comment: In summary, the available evidence is currently insufficient to determine the role of this variant in disease. Therefore, it has been classified as a Variant of Uncertain Significance. Algorithms developed to predict the effect of missense changes on protein structure and function are either unavailable or do not agree on the potential impact of this missense change (SIFT: "Tolerated"; PolyPhen-2: "Possibly Damaging"; Align-GVGD: "Class C0"). ClinVar contains an entry for this variant (Variation ID: 1424995). This variant has not been reported in the literature in individuals affected with DSG2-related conditions. This variant is present in population databases (no rsID available, gnomAD 0.003%). This sequence change replaces glycine, which is neutral and non-polar, with aspartic acid, which is acidic and polar, at codon 997 of the DSG2 protein (p.Gly997Asp).